The following is an entry in ClinVar:

ClinVar aggregate classification (germline): Likely pathogenic (1 of 4 stars; one submission).

Conditions:
CFTR-related disorder (CFTR-RD). Also called: CFTR-related disorders; CFTR-related condition. Identifiers: MedGen C5924204, MONDO:7770004.

gnomAD v4.1: 1 of 1,611,854 alleles (0.000062%); no homozygotes.

Submission:

Natera, Inc.
Classification: Likely pathogenic for CFTR-related disorders. Last evaluated: 2025-12-01. Review status: criteria provided, single submitter. Criteria: Natera Variant Classification Schema (03/2026). Collection method: clinical testing. Allele origin: germline.
Comment: The c.188C>G variant in CFTR is a nonsense variant predicted to introduce a stop codon at amino acid 63. This variant is expected to result in nonsense mediated decay, truncation, or a dysfunctional protein product. This variant is rare in the general population with a frequency below the threshold expected for the associated phenotype(s). Given the available evidence, this variant is classified as Likely Pathogenic.

NM_000492.4(CFTR):c.188C>G (p.Ser63Ter)

Genes: CFTR (CF transmembrane conductance regulator; plus strand), LOC113664106 (CFTR intron 2 DNase I hypersensitive site; plus strand). Cytogenetic location: 7q31.2.
Variant type: single nucleotide variant.
Coding change: c.188C>G on transcript NM_000492.4 (MANE Select); coding-DNA position 188, C replaced by G.
Protein change: p.Ser63Ter; replaces serine 63 with a stop codon.
Molecular consequence: nonsense.
Genome position (GRCh38, 1-based): chr7:117,509,057, C>G. VCF-style: chr7-117509057-C-G. GRCh37 (hg19) VCF-style: chr7-117149111-C-G.
Other names: short protein forms S63*.
Identifiers: ClinVar variation 4818487 (VCV004818487.1).